The following is an entry in ClinVar:

NM_024408.4(NOTCH2):c.5683C>A (p.Arg1895Ser)

Gene: NOTCH2 (notch receptor 2; minus strand). Cytogenetic location: 1p12.
Variant type: single nucleotide variant.
Coding change: c.5683C>A on transcript NM_024408.4 (MANE Select); coding-DNA position 5683, C replaced by A.
Protein change: p.Arg1895Ser; replaces arginine 1895 with serine.
Molecular consequence: missense variant.
Genome position (GRCh38, 1-based): chr1:119,919,410, G>T on the plus strand (C>A on the coding strand, the complement: NOTCH2 is on the minus strand). VCF-style: chr1-119919410-G-T. GRCh37 (hg19) VCF-style: chr1-120462033-G-T.
Other names: short protein forms R1895S.
Identifiers: ClinVar variation 2418237 (VCV002418237.5), dbSNP rs753822819, ClinGen allele CA1039586.

ClinVar aggregate classification (germline): Uncertain significance (1 of 4 stars; one submission).

Conditions:
Hajdu-Cheney syndrome (HJCYS). Also called: ACROOSTEOLYSIS WITH OSTEOPOROSIS AND CHANGES IN SKULL AND MANDIBLE; SERPENTINE FIBULA-POLYCYSTIC KIDNEY SYNDROME; Acroosteolysis dominant type. Identifiers: Orphanet 955, MedGen C0917715, MONDO:0007057, OMIM 102500.

Allele frequency attached by ClinVar (database versions not stated): ExAC 0.00001.
gnomAD v4.1: 3 of 1,613,804 alleles (0.00019%); highest among the groups gnomAD compares: East Asian, 0.0022%; no homozygotes.

Submission:

Labcorp Genetics (formerly Invitae), Labcorp
Classification: Uncertain significance for Hajdu-Cheney syndrome. Last evaluated: 2022-07-19. Review status: criteria provided, single submitter. Criteria: Invitae Variant Classification Sherloc (09022015). Collection method: clinical testing. Allele origin: germline.
Comment: This sequence change replaces arginine, which is basic and polar, with serine, which is neutral and polar, at codon 1895 of the NOTCH2 protein (p.Arg1895Ser). This variant is present in population databases (rs753822819, gnomAD 0.006%). In summary, the available evidence is currently insufficient to determine the role of this variant in disease. Therefore, it has been classified as a Variant of Uncertain Significance. Advanced modeling of protein sequence and biophysical properties (such as structural, functional, and spatial information, amino acid conservation, physicochemical variation, residue mobility, and thermodynamic stability) performed at Invitae indicates that this missense variant is not expected to disrupt NOTCH2 protein function. This variant has not been reported in the literature in individuals affected with NOTCH2-related conditions.